The following is an entry in ClinVar:

ClinVar aggregate classification (germline): Uncertain significance (1 of 4 stars; one submission).

Conditions:
Hereditary cancer-predisposing syndrome. Also called: Neoplastic Syndromes, Hereditary; Tumor predisposition; Hereditary Cancer Syndrome; Hereditary neoplastic syndrome. Identifiers: Orphanet 140162, MedGen C0027672, MeSH D009386, MONDO:0015356.

Submission:

Ambry Genetics
Classification: Uncertain significance for Hereditary cancer-predisposing syndrome. Last evaluated: 2026-08-21. Review status: criteria provided, single submitter. Criteria: Ambry Variant Classification Scheme 2023. Collection method: clinical testing. Allele origin: germline.
Comment: The p.H189Y variant (also known as c.565C>T), located in coding exon 5 of the TSC1 gene, results from a C to T substitution at nucleotide position 565. The histidine at codon 189 is replaced by tyrosine, an amino acid with similar properties. This amino acid position is highly conserved in available vertebrate species. In addition, this alteration is predicted to be deleterious by in silico analysis. Based on the available evidence, the clinical significance of this variant remains unclear.

NM_000368.5(TSC1):c.565C>T (p.His189Tyr)

Gene: TSC1 (TSC complex subunit 1; minus strand). Cytogenetic location: 9q34.13.
Variant type: single nucleotide variant.
Coding change: c.565C>T on transcript NM_000368.5 (MANE Select); coding-DNA position 565, C replaced by T.
Protein change: p.His189Tyr; replaces histidine 189 with tyrosine.
Molecular consequence: missense variant. On other transcripts: 5 prime UTR variant (5), non-coding transcript variant (5).
Genome position (GRCh38, 1-based): chr9:132,921,917, G>A on the plus strand (C>T on the coding strand, the complement: TSC1 is on the minus strand). VCF-style: chr9-132921917-G-A. GRCh37 (hg19) VCF-style: chr9-135797304-G-A.
Other names: c.565C>T, p.His189Tyr (NM_001406601.1, NM_001406602.1, NM_001406603.1 and 16 more transcripts); c.412C>T, p.His138Tyr (NM_001162427.2, NM_001406610.1, NM_001406611.1 and 2 more transcripts); c.202C>T, p.His68Tyr (NM_001362177.2, NM_001406620.1, NM_001406621.1 and 10 more transcripts); c.-313C>T (NM_001406626.1, NM_001406627.1, NM_001406628.1); c.-455C>T (NM_001406629.1); c.-529C>T (NM_001406630.1); short protein forms H189Y, H138Y, H68Y.
Identifiers: ClinVar variation 4844232 (VCV004844232.2).